The following is an entry in ClinVar:

NM_018062.4(FANCL):c.677G>T (p.Arg226Leu)

Gene: FANCL (FA complementation group L; minus strand). Cytogenetic location: 2p16.1.
Variant type: single nucleotide variant.
Coding change: c.677G>T on transcript NM_018062.4 (MANE Select); coding-DNA position 677, G replaced by T.
Protein change: p.Arg226Leu; replaces arginine 226 with leucine.
Molecular consequence: missense variant.
Genome position (GRCh38, 1-based): chr2:58,165,738, C>A on the plus strand (G>T on the coding strand, the complement: FANCL is on the minus strand). VCF-style: chr2-58165738-C-A. GRCh37 (hg19) VCF-style: chr2-58392873-C-A.
Other names: c.692G>T, p.Arg231Leu (NM_001114636.2); c.722G>T, p.Arg241Leu (NM_001374615.1); c.737G>T, p.Arg246Leu (NM_001410792.1); short protein forms R226L, R231L, R241L, R246L.
Identifiers: ClinVar variation 1720021 (VCV001720021.6), dbSNP rs745526326, ClinGen allele CA346936635.

ClinVar aggregate classification (germline): Uncertain significance (1 of 4 stars; one submission).

Conditions:
Fanconi anemia (FA). Also called: Fanconi's anemia. Identifiers: Orphanet 84, MedGen C0015625, MeSH D005199, MONDO:0019391.

Submission:

Labcorp Genetics (formerly Invitae), Labcorp
Classification: Uncertain significance for Fanconi anemia. Last evaluated: 2022-09-22. Review status: criteria provided, single submitter. Criteria: Invitae Variant Classification Sherloc (09022015). Collection method: clinical testing. Allele origin: germline.
Comment: In summary, the available evidence is currently insufficient to determine the role of this variant in disease. Therefore, it has been classified as a Variant of Uncertain Significance. Advanced modeling of protein sequence and biophysical properties (such as structural, functional, and spatial information, amino acid conservation, physicochemical variation, residue mobility, and thermodynamic stability) performed at Invitae indicates that this missense variant is expected to disrupt FANCL protein function. This variant has not been reported in the literature in individuals affected with FANCL-related conditions. This variant is not present in population databases (gnomAD no frequency). This sequence change replaces arginine, which is basic and polar, with leucine, which is neutral and non-polar, at codon 226 of the FANCL protein (p.Arg226Leu).